The following is an entry in ClinVar:

ClinVar aggregate classification (germline): Likely benign (1 of 4 stars; one submission).

Conditions:
MHC class II deficiency. Also called: BLS, TYPE II; Bare lymphocyte syndrome 2. Identifiers: Orphanet 572, MedGen C5447452, MONDO:0008855.

Allele frequency attached by ClinVar (database versions not stated): gnomAD exomes 0.00001 and 0.00003; ExAC 0.00002; gnomAD 0.00003 and 0.00004; TOPMed 0.00005.
gnomAD v4.1: 27 of 1,613,694 alleles (0.0017%); highest among the groups gnomAD compares: African/African-American, 0.008%; no homozygotes.

Submission:

Labcorp Genetics (formerly Invitae), Labcorp
Classification: Likely benign for MHC class II deficiency. Last evaluated: 2025-06-09. Review status: criteria provided, single submitter. Criteria: Invitae Variant Classification Sherloc (09022015). Collection method: clinical testing. Allele origin: germline.

NM_003721.4(RFXANK):c.639C>T (p.Gly213=)

Gene: RFXANK (regulatory factor X associated ankyrin containing protein; plus strand). Cytogenetic location: 19p13.11.
Variant type: single nucleotide variant.
Coding change: c.639C>T on transcript NM_003721.4 (MANE Select); coding-DNA position 639, C replaced by T.
Protein change: p.Gly213=; no amino-acid change (glycine 213 retained).
Molecular consequence: synonymous variant.
Genome position (GRCh38, 1-based): chr19:19,199,161, C>T. VCF-style: chr19-19199161-C-T. GRCh37 (hg19) VCF-style: chr19-19309970-C-T.
Other names: c.573C>T, p.Gly191= (NM_001278727.2, NM_001370234.1); c.570C>T, p.Gly190= (NM_001278728.2, NM_134440.3); c.639C>T, p.Gly213= (NM_001370233.1, NM_001370238.1); c.636C>T, p.Gly212= (NM_001370235.1, NM_001370236.1, NM_001370237.1).
Identifiers: ClinVar variation 1486098 (VCV001486098.8), dbSNP rs745918077, ClinGen allele CA9322876.